The following is an entry in ClinVar:

NM_001041.4(SI):c.4406+39T>G

Gene: SI (sucrase-isomaltase; minus strand). Cytogenetic location: 3q26.1.
Variant type: single nucleotide variant.
Coding change: c.4406+39T>G on transcript NM_001041.4 (MANE Select); 39 bases into the intron after coding-DNA position 4406, T replaced by G.
Molecular consequence: intron variant.
Genome position (GRCh38, 1-based): chr3:165,006,777, A>C on the plus strand (T>G on the coding strand, the complement: SI is on the minus strand). VCF-style: chr3-165006777-A-C. GRCh37 (hg19) VCF-style: chr3-164724565-A-C.
Identifiers: ClinVar variation 2692530 (VCV002692530.1), dbSNP rs1464236912, ClinGen allele CA902004306.

ClinVar aggregate classification (germline): Uncertain significance (1 of 4 stars; one submission).

Allele frequency attached by ClinVar (database versions not stated): gnomAD 0.00001; TOPMed 0.00001.
gnomAD v4.1: 2 of 1,574,020 alleles (0.00013%); highest among the groups gnomAD compares: Admixed American, 0.0017%; no homozygotes.

Submission:

Greenwood Genetic Center Diagnostic Laboratories, Greenwood Genetic Center
Classification: Uncertain significance. Last evaluated: 2023-12-29. Review status: criteria provided, single submitter. Criteria: ACMG Guidelines, 2015. Collection method: clinical testing. Allele origin: germline. Affected: yes.
Comment: PM2, BP4